The following is an entry in ClinVar:

ClinVar aggregate classification (germline): Benign. Review status: criteria provided, multiple submitters, no conflicts (2 of 4 stars). 4 submissions from 3 submitters: Benign (4). Last evaluated 2021-05-13.

Conditions:
Gastrointestinal stromal tumor. Also called: Gastrointestinal stromal tumor, somatic; Gastrointestinal stroma tumor. Identifiers: Orphanet 44890, MedGen C0238198, MeSH D046152, MONDO:0011719, OMIM 606764, HP:0100723.
Idiopathic hypereosinophilic syndrome (HES). Identifiers: Orphanet 3260, MedGen C0206141, MONDO:0011895, OMIM 607685. Disease mechanism: gain of function.

Allele frequency attached by ClinVar (database versions not stated): TOPMed 0.21344; 1000 Genomes Project 0.24281; 1000 Genomes Project 30x 0.24656.
gnomAD v4.1: 62,957 of 371,152 alleles (17%); highest among the groups gnomAD compares: African/African-American, 32%; 6,444 homozygotes.

Submissions (4):

GeneDx
Classification: Benign. Last evaluated: 2021-05-13. Review status: criteria provided, single submitter. Criteria: GeneDx Variant Classification Process June 2021. Collection method: clinical testing. Allele origin: germline. Affected: yes.

Illumina Laboratory Services, Illumina
Classification: Benign for Idiopathic hypereosinophilic syndrome. Last evaluated: 2018-01-12. Review status: criteria provided, single submitter. Criteria: ICSL Variant Classification Criteria 13 December 2019. Collection method: clinical testing. Allele origin: germline.
Comment: This variant was observed in the ICSL laboratory as part of a predisposition screen in an ostensibly healthy population. It had not been previously curated by ICSL or reported in the Human Gene Mutation Database (HGMD: prior to June 1st, 2018), and was therefore a candidate for classification through an automated scoring system. Utilizing variant allele frequency, disease prevalence and penetrance estimates, and inheritance mode, an automated score was calculated to assess if this variant is too frequent to cause the disease. Based on the score and internal cut-off values, a variant classified as benign is not then subjected to further curation. The score for this variant resulted in a classification of benign for this disease.

Illumina Laboratory Services, Illumina
Classification: Benign for Gastrointestinal stromal tumor. Last evaluated: 2018-01-12. Review status: criteria provided, single submitter. Criteria: ICSL Variant Classification Criteria 13 December 2019. Collection method: clinical testing. Allele origin: germline.
Comment: the same text as in the submission from Illumina Laboratory Services, Illumina above.

Breakthrough Genomics
Classification: Benign. Review status: criteria provided, single submitter. Criteria: ACMG Guidelines, 2015. Collection method: not provided. Allele origin: germline. Inheritance: Autosomal dominant inheritance. Affected: yes.

NM_006206.6(PDGFRA):c.*374A>C

Gene: PDGFRA (platelet derived growth factor receptor alpha; plus strand). Cytogenetic location: 4q12.
Variant type: single nucleotide variant.
Coding change: c.*374A>C on transcript NM_006206.6 (MANE Select); 374 bases downstream of the stop codon, A replaced by C.
Molecular consequence: 3 prime UTR variant.
Genome position (GRCh38, 1-based): chr4:54,295,646, A>C. VCF-style: chr4-54295646-A-C. GRCh37 (hg19) VCF-style: chr4-55161813-A-C.
Other names: c.*374A>C (NM_001347828.2, NM_001347829.2, NM_001347830.2).
Identifiers: ClinVar variation 348916 (VCV000348916.9), dbSNP rs3690, ClinGen allele CA10618806.